The following is an entry in ClinVar:

ClinVar aggregate classification (germline): Pathogenic. Review status: reviewed by expert panel (3 of 4 stars). 2 submissions from 2 submitters: Pathogenic (1). 1 of the submissions does not count toward it. Last evaluated 2017-12-15.

Conditions:
Hereditary breast ovarian cancer syndrome. Also called: Hereditary breast and ovarian cancer syndrome; Hereditary breast and/or ovarian cancer syndrome; BRCA1- and BRCA2-Associated Hereditary Breast and Ovarian Cancer; Hereditary breast and ovarian cancer syndrome (HBOC); Hereditary breast and ovarian cancer; Breast and ovarian cancer. Identifiers: Orphanet 145, MedGen C0677776, MeSH D061325, MONDO:0003582. Disease mechanism: loss of function.
Breast-ovarian cancer, familial, susceptibility to, 2 (BROVCA2). Also called: BRCA2 Hereditary Breast and Ovarian Cancer. Identifiers: Orphanet 145, MedGen C2675520, MONDO:0012933, OMIM 612555. Disease mechanism: loss of function.

Submissions (2):

Evidence-based Network for the Interpretation of Germline Mutant Alleles (ENIGMA)
Classification: Pathogenic for Breast-ovarian cancer, familial, susceptibility to, 2. Last evaluated: 2017-12-15. Review status: reviewed by expert panel. Criteria: ENIGMA BRCA1/2 Classification Criteria (2017-06-29). Collection method: curation. Allele origin: germline. Study: ENIGMA.
Comment: Variant allele predicted to encode a truncated non-functional protein.

Labcorp Genetics (formerly Invitae), Labcorp
Classification: Pathogenic for Hereditary breast ovarian cancer syndrome. Last evaluated: 2023-11-08. Review status: criteria provided, single submitter. Criteria: Invitae Variant Classification Sherloc (09022015). Collection method: clinical testing. Allele origin: germline. Not counted in ClinVar's aggregate classification.
Comment: This sequence change creates a premature translational stop signal (p.Ser2483Valfs*41) in the BRCA2 gene. It is expected to result in an absent or disrupted protein product. Loss-of-function variants in BRCA2 are known to be pathogenic (PMID: 20104584). This variant is not present in population databases (gnomAD no frequency). This variant has not been reported in the literature in individuals affected with BRCA2-related conditions. ClinVar contains an entry for this variant (Variation ID: 409586). For these reasons, this variant has been classified as Pathogenic.

Literature cited by the submitters: PubMed 20104584 (cited by Labcorp Genetics (formerly Invitae), Labcorp).

NM_000059.4(BRCA2):c.7447del (p.Ser2483fs)

Gene: BRCA2 (BRCA2 DNA repair associated; plus strand). Cytogenetic location: 13q13.1.
Variant type: Deletion.
Coding change: c.7447del on transcript NM_000059.4 (MANE Select); coding-DNA position 7447, one base deleted (A; older notation c.7447delA).
Protein change: p.Ser2483fs; shifts the reading frame from serine 2483.
Molecular consequence: frameshift variant.
Genome position (GRCh38, 1-based): chr13:32,356,439, A deleted; the last of 2 consecutive A bases (chr13:32,356,438-32,356,439); deleting either gives the same sequence. VCF-style (leftmost placement, unchanged base first): chr13-32356437-CA-C. GRCh37 (hg19) VCF-style: chr13-32930574-CA-C.
Other names: c.7447delA (NM_000059.3); short protein forms S2483fs.
Identifiers: ClinVar variation 409586 (VCV000409586.9), dbSNP rs1060502482, ClinGen allele CA16614002.